The following is an entry in ClinVar:

ClinVar aggregate classification (germline): Uncertain significance (1 of 4 stars; one submission).

Submission:

GeneDx
Classification: Uncertain significance. Last evaluated: 2024-05-30. Review status: criteria provided, single submitter. Criteria: GeneDx Variant Classification Process June 2021. Collection method: clinical testing. Allele origin: germline. Affected: yes.
Comment: Not observed at significant frequency in large population cohorts (gnomAD); In silico analysis supports that this missense variant has a deleterious effect on protein structure/function; Has not been previously published as pathogenic or benign to our knowledge

NM_001330288.2(SMARCC2):c.1820G>C (p.Gly607Ala)

Gene: SMARCC2 (SWI/SNF related BAF chromatin remodeling complex subunit C2; minus strand). Cytogenetic location: 12q13.2.
Variant type: single nucleotide variant.
Coding change: c.1820G>C on transcript NM_001330288.2 (MANE Select); coding-DNA position 1820, G replaced by C.
Protein change: p.Gly607Ala; replaces glycine 607 with alanine.
Molecular consequence: missense variant.
Genome position (GRCh38, 1-based): chr12:56,172,628, C>G on the plus strand (G>C on the coding strand, the complement: SMARCC2 is on the minus strand). VCF-style: chr12-56172628-C-G. GRCh37 (hg19) VCF-style: chr12-56566412-C-G.
Other names: c.1820G>C, p.Gly607Ala (NM_001130420.3, NM_139067.4); c.1727G>C, p.Gly576Ala (NM_003075.5); short protein forms G576A, G607A.
Identifiers: ClinVar variation 3383836 (VCV003383836.1).